The following is an entry in ClinVar:

NM_198253.3(TERT):c.2130+5G>A

Gene: TERT (telomerase reverse transcriptase; minus strand). Cytogenetic location: 5p15.33.
Variant type: single nucleotide variant.
Coding change: c.2130+5G>A on transcript NM_198253.3 (MANE Select); 5 bases into the intron after coding-DNA position 2130, G replaced by A.
Molecular consequence: intron variant.
Genome position (GRCh38, 1-based): chr5:1,279,286, C>T on the plus strand (G>A on the coding strand, the complement: TERT is on the minus strand). VCF-style: chr5-1279286-C-T. GRCh37 (hg19) VCF-style: chr5-1279401-C-T.
Other names: c.2130+5G>A (NM_001193376.3).
Identifiers: ClinVar variation 574309 (VCV000574309.9), dbSNP rs777102890, ClinGen allele CA3184665.

ClinVar aggregate classification (germline): Uncertain significance. Review status: criteria provided, multiple submitters, no conflicts (2 of 4 stars). 2 submissions from 2 submitters: Uncertain significance (2). Last evaluated 2025-06-15.

Conditions:
Dyskeratosis congenita. Identifiers: Orphanet 1775, MedGen C0265965, MONDO:0015780.
Idiopathic Pulmonary Fibrosis. Also called: Idiopathic fibrosing alveolitis, chronic form; idiopathic fibrosing alveolitis. Identifiers: Orphanet 2032, MedGen C1800706, MeSH D054990, MONDO:0800504.
Dyskeratosis congenita, autosomal dominant 2. Identifiers: MedGen C3151443, MONDO:0013521, OMIM 613989.

Allele frequency attached by ClinVar (database versions not stated): ExAC below 0.00001.
gnomAD v4.1: 2 of 1,573,430 alleles (0.00013%); highest among the groups gnomAD compares: Non-Finnish European, 0.00017%; no homozygotes.

Submissions (2):

Labcorp Genetics (formerly Invitae), Labcorp
Classification: Uncertain significance for Dyskeratosis congenita, autosomal dominant 2; Idiopathic Pulmonary Fibrosis. Last evaluated: 2025-06-15. Review status: criteria provided, single submitter. Criteria: Invitae Variant Classification Sherloc (09022015). Collection method: clinical testing. Allele origin: germline.
Comment: This sequence change falls in intron 5 of the TERT gene. It does not directly change the encoded amino acid sequence of the TERT protein. It affects a nucleotide within the consensus splice site. This variant is not present in population databases (gnomAD no frequency). This variant has not been reported in the literature in individuals affected with TERT-related conditions. ClinVar contains an entry for this variant (Variation ID: 574309). Variants that disrupt the consensus splice site are a relatively common cause of aberrant splicing (PMID: 17576681, 9536098). Algorithms developed to predict the effect of sequence changes on RNA splicing suggest that this variant may disrupt the consensus splice site. In summary, the available evidence is currently insufficient to determine the role of this variant in disease. Therefore, it has been classified as a Variant of Uncertain Significance.

Molecular Genetics, Royal Melbourne Hospital
Classification: Uncertain significance for Dyskeratosis congenita. Last evaluated: 2023-03-30. Review status: criteria provided, single submitter. Criteria: ACMG Guidelines, 2015. Collection method: clinical testing. Allele origin: germline.
Comment: This sequence change falls in the splice region of the donor site of intron 5 of TERT. The variant is absent in a large population cohort (gnomAD v2.1 and v3.1), and has been classified as a variant of uncertain significance (ClinVar). The nucleotide is moderately conserved (100 vertebrates, UCSC), and multiple lines of computational evidence predict an impact on splicing (SpliceAI, MaxEntScan, NNSplice). Based on the classification scheme RMH Modified ACMG Guidelines v1.3.1, this variant is classified as a VARIANT OF UNCERTAIN SIGNIFICANCE. Following criteria are met: PM2_Supporting, PP3.

Literature cited by the submitters: PubMed 17576681 (cited by Labcorp Genetics (formerly Invitae), Labcorp); PubMed 9536098 (cited by Labcorp Genetics (formerly Invitae), Labcorp).